The following is an entry in ClinVar:

NM_005422.4(TECTA):c.230T>C (p.Val77Ala)

Genes: TBCEL-TECTA (TBCEL-TECTA readthrough; plus strand), TECTA (tectorin alpha; plus strand). Cytogenetic location: 11q23.3.
Variant type: single nucleotide variant.
Coding change: c.230T>C on transcript NM_005422.4 (MANE Select); coding-DNA position 230, T replaced by C.
Protein change: p.Val77Ala; replaces valine 77 with alanine.
Molecular consequence: missense variant.
Genome position (GRCh38, 1-based): chr11:121,109,242, T>C. VCF-style: chr11-121109242-T-C. GRCh37 (hg19) VCF-style: chr11-120979951-T-C.
Other names: c.230T>C (NM_005422.2); c.1187T>C, p.Val396Ala (NM_001378761.1); short protein forms V396A, V77A.
Identifiers: ClinVar variation 1490311 (VCV001490311.7), dbSNP rs2135054815, ClinGen allele CA383020477.

ClinVar aggregate classification (germline): Uncertain significance. Review status: criteria provided, multiple submitters, no conflicts (2 of 4 stars). 2 submissions from 2 submitters: Uncertain significance (2). Last evaluated 2024-06-17.

Submissions (2):

GeneDx
Classification: Uncertain significance. Last evaluated: 2024-06-17. Review status: criteria provided, single submitter. Criteria: GeneDx Variant Classification Process June 2021. Collection method: clinical testing. Allele origin: germline. Affected: yes.
Comment: Not observed at significant frequency in large population cohorts (gnomAD); In silico analysis indicates that this missense variant does not alter protein structure/function; Has not been previously published as pathogenic or benign to our knowledge

Labcorp Genetics (formerly Invitae), Labcorp
Classification: Uncertain significance. Last evaluated: 2021-10-28. Review status: criteria provided, single submitter. Criteria: Invitae Variant Classification Sherloc (09022015). Collection method: clinical testing. Allele origin: germline.
Comment: This sequence change replaces valine, which is neutral and non-polar, with alanine, which is neutral and non-polar, at codon 77 of the TECTA protein (p.Val77Ala). In summary, the available evidence is currently insufficient to determine the role of this variant in disease. Therefore, it has been classified as a Variant of Uncertain Significance. Algorithms developed to predict the effect of missense changes on protein structure and function (SIFT, PolyPhen-2, Align-GVGD) all suggest that this variant is likely to be tolerated. This variant has not been reported in the literature in individuals affected with TECTA-related conditions. This variant is not present in population databases (gnomAD no frequency).